The following is an entry in ClinVar:

ClinVar aggregate classification (germline): Benign. Review status: criteria provided, multiple submitters, no conflicts (2 of 4 stars). 3 submissions from 3 submitters: Benign (3). Last evaluated 2026-01-25.

Conditions:
Autoimmune lymphoproliferative syndrome, type III caused by mutation in PRKCD. Identifiers: Orphanet 3261, Orphanet 664711, MedGen C3809928, MONDO:8000024, OMIM 615559.

Allele frequency attached by ClinVar (database versions not stated): 1000 Genomes Project 0.00359; 1000 Genomes Project 30x 0.00375; gnomAD 0.00507 and 0.00535; ESP Exome Variant Server 0.00561; TOPMed 0.00564.
gnomAD v4.1: 1,514 of 1,613,104 alleles (0.094%); highest among the groups gnomAD compares: African/African-American, 1.8%; 14 homozygotes.

Submissions (3):

Labcorp Genetics (formerly Invitae), Labcorp
Classification: Benign for Autoimmune lymphoproliferative syndrome, type III caused by mutation in PRKCD. Last evaluated: 2026-01-25. Review status: criteria provided, single submitter. Criteria: Invitae Variant Classification Sherloc (09022015). Collection method: clinical testing. Allele origin: germline.

ARUP Laboratories, Molecular Genetics and Genomics, ARUP Laboratories
Classification: Benign for Autoimmune lymphoproliferative syndrome, type III caused by mutation in PRKCD. Last evaluated: 2025-07-08. Review status: criteria provided, single submitter. Criteria: ARUP Molecular Germline Variant Investigation Process 2024. Collection method: clinical testing. Allele origin: germline.

Mayo Clinic Laboratories, Mayo Clinic
Classification: Benign. Last evaluated: 2024-11-18. Review status: criteria provided, single submitter. Criteria: ACMG Guidelines, 2015. Collection method: clinical testing. Allele origin: germline. Observed: 2 variant alleles.
Comment: BS1, BS2, BP4

NM_006254.4(PRKCD):c.214G>C (p.Val72Leu)

Gene: PRKCD (protein kinase C delta; plus strand). Cytogenetic location: 3p21.1.
Variant type: single nucleotide variant.
Coding change: c.214G>C on transcript NM_006254.4 (MANE Select); coding-DNA position 214, G replaced by C.
Protein change: p.Val72Leu; replaces valine 72 with leucine.
Molecular consequence: missense variant.
Genome position (GRCh38, 1-based): chr3:53,179,675, G>C. VCF-style: chr3-53179675-G-C. GRCh37 (hg19) VCF-style: chr3-53213691-G-C.
Other names: p.Val72Leu; c.214G>C, p.Val72Leu (NM_001316327.2, NM_001354679.2, NM_001354680.2 and 2 more transcripts); c.271G>C, p.Val91Leu (NM_001354676.2); c.262G>C, p.Val88Leu (NM_001354678.2); short protein forms V72L, V88L, V91L.
Identifiers: ClinVar variation 474768 (VCV000474768.22), dbSNP rs151061939, ClinGen allele CA2451705.